The following is an entry in ClinVar:

NM_000525.4(KCNJ11):c.536A>C (p.Glu179Ala)

Gene: KCNJ11 (potassium inwardly rectifying channel subfamily J member 11; minus strand). Cytogenetic location: 11p15.1.
Variant type: single nucleotide variant.
Coding change: c.536A>C on transcript NM_000525.4 (MANE Select); coding-DNA position 536, A replaced by C.
Protein change: p.Glu179Ala; replaces glutamic acid 179 with alanine.
Molecular consequence: missense variant.
Genome position (GRCh38, 1-based): chr11:17,387,556, T>G on the plus strand (A>C on the coding strand, the complement: KCNJ11 is on the minus strand). VCF-style: chr11-17387556-T-G. GRCh37 (hg19) VCF-style: chr11-17409103-T-G.
Other names: c.275A>C, p.Glu92Ala (NM_001166290.2, NM_001377296.1, NM_001377297.1); short protein forms E179A, E92A.
Identifiers: ClinVar variation 158678 (VCV000158678.7), dbSNP rs587783671, ClinGen allele CA172332.
Genomic context (GRCh38, chr11:17,387,556, plus strand): 5'-ATGAAGCAGAGGCGGCCGTGGCGCAGGGCGATCACCGCATGCTTGCTGAAGATGAGGGTC[T>G]CAGCCCTGCGGTGGGCTTGGGCAGTCTTCATGAAGATGCAGCCAAGCATGATGGCGTTGA-3'
Protein context (NP_000516.3, residues 169-189): MKTAQAHRRA[Glu179Ala]TLIFSKHAVI

ClinVar aggregate classification (germline): Conflicting classifications of pathogenicity. Review status: criteria provided, conflicting classifications (1 of 4 stars). 2 submissions from 2 submitters: Likely pathogenic (1); Uncertain significance (1). Last evaluated 2013-02-08.

Conditions:
Neonatal hypoglycemia. Identifiers: MedGen C0158986, HP:0001998.
Neonatal insulin-dependent diabetes mellitus. Identifiers: MedGen C3278636, HP:0000857.

Submissions (2):

Genetic Services Laboratory, University of Chicago
Classification: Likely pathogenic for neonatal insulin-dependent diabetes mellitus. Last evaluated: 2013-02-08. Review status: criteria provided, single submitter. Criteria: ACMG Guidelines, 2007. Collection method: clinical testing. Allele origin: germline. Inheritance: Autosomal unknown. Affected: yes.

Clinical Genomics, Uppaluri K&H Personalized Medicine Clinic
Classification: Uncertain significance for Neonatal hypoglycemia. Review status: criteria provided, single submitter. Criteria: K&H Uppaluri Personalized Medicine Clinic Variant Classification & Assertion Criteria. Collection method: research. Allele origin: somatic. Inheritance: Autosomal dominant inheritance.
Comment: Mutations in KCNJ11 genes can cause decreased production and secretion of insulin. This can lead to MODY which may be responsive to oral sulfonylureas. This gene mutations are important triggers of transient neonatal diabetes too. However, the signficance of rs587783671 (p.E179A) in Transient Neonatal Diabetes mellitus and MODY remains inconclusive.

Literature cited by the submitters: PubMed 17446535 (cited by Clinical Genomics, Uppaluri K&H Personalized Medicine Clinic).